The following is an entry in ClinVar:

ClinVar aggregate classification (germline): Pathogenic (1 of 4 stars; one submission).

gnomAD v4.1: 2 of 1,610,764 alleles (0.00012%); highest among the groups gnomAD compares: Non-Finnish European, 0.00017%; no homozygotes.

Submission:

Labcorp Genetics (formerly Invitae), Labcorp
Classification: Pathogenic. Last evaluated: 2024-11-20. Review status: criteria provided, single submitter. Criteria: Invitae Variant Classification Sherloc (09022015). Collection method: clinical testing. Allele origin: germline.
Comment: This sequence change creates a premature translational stop signal (p.Gln759*) in the TMPRSS15 gene. It is expected to result in an absent or disrupted protein product. Loss-of-function variants in TMPRSS15 are known to be pathogenic (PMID: 11719902). This variant is present in population databases (rs780239894, gnomAD 0.0009%). This variant has not been reported in the literature in individuals affected with TMPRSS15-related conditions. Algorithms developed to predict the effect of sequence changes on RNA splicing suggest that this variant may disrupt the consensus splice site. For these reasons, this variant has been classified as Pathogenic.

Literature cited by the submitters: PubMed 11719902.

NM_002772.3(TMPRSS15):c.2275C>T (p.Gln759Ter)

Gene: TMPRSS15 (transmembrane serine protease 15; minus strand). Cytogenetic location: 21q21.1.
Variant type: single nucleotide variant.
Coding change: c.2275C>T on transcript NM_002772.3 (MANE Select); coding-DNA position 2275, C replaced by T.
Protein change: p.Gln759Ter; replaces glutamine 759 with a stop codon.
Molecular consequence: nonsense.
Genome position (GRCh38, 1-based): chr21:18,294,639, G>A on the plus strand (C>T on the coding strand, the complement: TMPRSS15 is on the minus strand). VCF-style: chr21-18294639-G-A. GRCh37 (hg19) VCF-style: chr21-19666956-G-A.
Other names: c.2410C>T, p.Gln804Ter (NM_001428056.1); c.2275C>T, p.Gln759Ter (NM_001428057.1); short protein forms Q759*, Q804*.
Identifiers: ClinVar variation 3647491 (VCV003647491.2).